The following is an entry in ClinVar:

NM_000059.4(BRCA2):c.473C>A (p.Ser158Ter)

Gene: BRCA2 (BRCA2 DNA repair associated; plus strand). Cytogenetic location: 13q13.1.
Variant type: single nucleotide variant.
Coding change: c.473C>A on transcript NM_000059.4 (MANE Select); coding-DNA position 473, C replaced by A.
Protein change: p.Ser158Ter; replaces serine 158 with a stop codon.
Molecular consequence: nonsense.
Genome position (GRCh38, 1-based): chr13:32,326,148, C>A. VCF-style: chr13-32326148-C-A. GRCh37 (hg19) VCF-style: chr13-32900285-C-A.
Other names: S158X (701C>A); short protein forms S158*.
Identifiers: ClinVar variation 266829 (VCV000266829.14), dbSNP rs80358701, ClinGen allele CA10589030.

ClinVar aggregate classification (germline): Pathogenic. Review status: reviewed by expert panel (3 of 4 stars). 4 submissions from 4 submitters: Pathogenic (1). 3 of the submissions do not count toward it. Last evaluated 2016-10-18.

Conditions:
Inherited breast cancer and ovarian cancer.
Breast-ovarian cancer, familial, susceptibility to, 2 (BROVCA2). Also called: BRCA2 Hereditary Breast and Ovarian Cancer. Identifiers: Orphanet 145, MedGen C2675520, MONDO:0012933, OMIM 612555. Disease mechanism: loss of function.
Hereditary breast ovarian cancer syndrome. Also called: BRCA1- and BRCA2-Associated Hereditary Breast and Ovarian Cancer; Hereditary breast and ovarian cancer syndrome; Hereditary breast and ovarian cancer syndrome (HBOC); Hereditary breast and/or ovarian cancer syndrome; Hereditary breast and ovarian cancer; Breast and ovarian cancer. Identifiers: Orphanet 145, MedGen C0677776, MeSH D061325, MONDO:0003582. Disease mechanism: loss of function.

Submissions (4):

Evidence-based Network for the Interpretation of Germline Mutant Alleles (ENIGMA)
Classification: Pathogenic for Breast-ovarian cancer, familial, susceptibility to, 2. Last evaluated: 2016-10-18. Review status: reviewed by expert panel. Criteria: ENIGMA BRCA1/2 Classification Criteria (2015). Collection method: curation. Allele origin: germline.
Comment: Variant allele predicted to encode a truncated non-functional protein.

Genetics Laboratory, Great Ormond Street Hospital NHS Foundation Trust, North Thames Genomic Laboratory Hub
Classification: Pathogenic for Inherited breast cancer and ovarian cancer. Last evaluated: 2026-08-27. Review status: criteria provided, single submitter. Criteria: CanVIG BRCA Gene Specific V1.22. Collection method: clinical testing. Allele origin: germline. Affected: yes. Not counted in ClinVar's aggregate classification.
Comment: PM2_moderate, PVS1_very-strong, PM5_strong

Labcorp Genetics (formerly Invitae), Labcorp
Classification: Pathogenic for Hereditary breast ovarian cancer syndrome. Last evaluated: 2025-03-05. Review status: criteria provided, single submitter. Criteria: Invitae Variant Classification Sherloc (09022015). Collection method: clinical testing. Allele origin: germline. Not counted in ClinVar's aggregate classification.
Comment: This sequence change creates a premature translational stop signal (p.Ser158*) in the BRCA2 gene. It is expected to result in an absent or disrupted protein product. Loss-of-function variants in BRCA2 are known to be pathogenic (PMID: 20104584). This variant is not present in population databases (gnomAD no frequency). This premature translational stop signal has been observed in individual(s) with high risk of breast and/or ovarian cancer (PMID: 29446198). ClinVar contains an entry for this variant (Variation ID: 266829). For these reasons, this variant has been classified as Pathogenic.

Consortium of Investigators of Modifiers of BRCA1/2 (CIMBA), c/o University of Cambridge
Classification: Pathogenic for Breast-ovarian cancer, familial, susceptibility to, 2. Last evaluated: 2015-10-02. Review status: criteria provided, single submitter. Criteria: CIMBA Mutation Classification guidelines May 2016. Collection method: clinical testing. Allele origin: germline. Not counted in ClinVar's aggregate classification.

Literature cited by the submitters: PubMed 20104584 (cited by Labcorp Genetics (formerly Invitae), Labcorp); PubMed 29446198 (cited by Labcorp Genetics (formerly Invitae), Labcorp).